The following is an entry in ClinVar:

NM_198252.3(GSN):c.1310A>G (p.Gln437Arg)

Gene: GSN (gelsolin; plus strand). Cytogenetic location: 9q33.2.
Variant type: single nucleotide variant.
Coding change: c.1310A>G on transcript NM_198252.3 (MANE Select); coding-DNA position 1310, A replaced by G.
Protein change: p.Gln437Arg; replaces glutamine 437 with arginine.
Molecular consequence: missense variant.
Genome position (GRCh38, 1-based): chr9:121,321,386, A>G. VCF-style: chr9-121321386-A-G. GRCh37 (hg19) VCF-style: chr9-124083664-A-G.
Other names: c.1463A>G, p.Gln488Arg (NM_000177.5); c.1310A>G, p.Gln437Arg (NM_001127662.2, NM_001127664.2, NM_001127665.2 and 10 more transcripts); c.1418A>G, p.Gln473Arg (NM_001127663.2); c.1343A>G, p.Gln448Arg (NM_001127666.2, NM_001127667.2, NM_001353063.2 and 13 more transcripts); c.1361A>G, p.Gln454Arg (NM_001258029.2); c.1334A>G, p.Gln445Arg (NM_001258030.2); c.1382A>G, p.Gln461Arg (NM_001353076.2); c.656A>G, p.Gln219Arg (NM_001353078.2); short protein forms Q219R, Q448R, Q488R, Q445R, Q454R, Q461R, Q473R, Q437R.
Identifiers: ClinVar variation 1476167 (VCV001476167.6), dbSNP rs2133755809, ClinGen allele CA374750103.

ClinVar aggregate classification (germline): Uncertain significance (1 of 4 stars; one submission).

Allele frequency attached by ClinVar (database versions not stated): gnomAD exomes below 0.00001.
gnomAD v4.1: 2 of 1,614,110 alleles (0.00012%); highest among the groups gnomAD compares: Non-Finnish European, 0.00017%; no homozygotes.

Submission:

Labcorp Genetics (formerly Invitae), Labcorp
Classification: Uncertain significance. Last evaluated: 2022-07-26. Review status: criteria provided, single submitter. Criteria: Invitae Variant Classification Sherloc (09022015). Collection method: clinical testing. Allele origin: germline.
Comment: In summary, the available evidence is currently insufficient to determine the role of this variant in disease. Therefore, it has been classified as a Variant of Uncertain Significance. Algorithms developed to predict the effect of missense changes on protein structure and function (SIFT, PolyPhen-2, Align-GVGD) all suggest that this variant is likely to be tolerated. ClinVar contains an entry for this variant (Variation ID: 1476167). This variant has not been reported in the literature in individuals affected with GSN-related conditions. This variant is not present in population databases (gnomAD no frequency). This sequence change replaces glutamine, which is neutral and polar, with arginine, which is basic and polar, at codon 488 of the GSN protein (p.Gln488Arg).